The following is an entry in ClinVar:

ClinVar aggregate classification (germline): Likely benign (0 of 4 stars; one submission).

Conditions:
MCPH1-related disorder. Also called: MCPH1-related condition.

Allele frequency attached by ClinVar (database versions not stated): TOPMed 0.00003; gnomAD 0.00005; ExAC 0.00025.
gnomAD v4.1: 141 of 1,612,154 alleles (0.0087%); highest among the groups gnomAD compares: Non-Finnish European, 0.01%; no homozygotes.

Submission:

PreventionGenetics, part of Exact Sciences
Classification: Likely benign for MCPH1-related condition. Last evaluated: 2019-04-26. Review status: no assertion criteria provided. Collection method: clinical testing. Allele origin: germline.
Comment: This variant is classified as likely benign based on ACMG/AMP sequence variant interpretation guidelines (Richards et al. 2015 PMID: 25741868, with internal and published modifications).

NM_024596.5(MCPH1):c.-5C>G

Gene: MCPH1 (microcephalin 1; plus strand). Cytogenetic location: 8p23.1.
Variant type: single nucleotide variant.
Coding change: c.-5C>G on transcript NM_024596.5 (MANE Select); 5 bases upstream of the start codon, C replaced by G.
Molecular consequence: 5 prime UTR variant. On other transcripts: non-coding transcript variant (1).
Genome position (GRCh38, 1-based): chr8:6,406,663, C>G. VCF-style: chr8-6406663-C-G. GRCh37 (hg19) VCF-style: chr8-6264184-C-G.
Other names: c.-5C>G (NM_001172574.2, NM_001172575.2, NM_001322042.2 and 5 more transcripts).
Identifiers: ClinVar variation 3058778 (VCV003058778.2), dbSNP rs771277920, ClinGen allele CA4609969.